The following is an entry in ClinVar:

NM_182931.3(KMT2E):c.3320T>C (p.Leu1107Pro)

Gene: KMT2E (lysine methyltransferase 2E (inactive); plus strand). Cytogenetic location: 7q22.3.
Variant type: single nucleotide variant.
Coding change: c.3320T>C on transcript NM_182931.3 (MANE Select); coding-DNA position 3320, T replaced by C.
Protein change: p.Leu1107Pro; replaces leucine 1107 with proline.
Molecular consequence: missense variant.
Genome position (GRCh38, 1-based): chr7:105,107,777, T>C. VCF-style: chr7-105107777-T-C. GRCh37 (hg19) VCF-style: chr7-104748224-T-C.
Other names: c.3320T>C, p.Leu1107Pro (NM_018682.4); short protein forms L1107P.
Identifiers: ClinVar variation 1313891 (VCV001313891.2), dbSNP rs1455974318, ClinGen allele CA368789112.
Genomic context (GRCh38, chr7:105,107,777, plus strand): 5'-TGACACCCTCGCATCAGTTGGAGGTTGGAGGAGGCTTCCGAATAAGTGAGTCAAAGTGCC[T>C]GATGCAGGATGATACTAGAGGCATGTTTATGGAAACAACTGTGTTTTGTACTTCCGAAGA-3'
Protein context (NP_891847.1, residues 1097-1117): GGFRISESKC[Leu1107Pro]MQDDTRGMFM

ClinVar aggregate classification (germline): Uncertain significance (1 of 4 stars; one submission).

Allele frequency attached by ClinVar (database versions not stated): TOPMed below 0.00001.

Submission:

GeneDx
Classification: Uncertain significance. Last evaluated: 2021-01-07. Review status: criteria provided, single submitter. Criteria: GeneDx Variant Classification Process June 2021. Collection method: clinical testing. Allele origin: germline. Affected: yes.
Comment: Not observed in large population cohorts (Lek et al., 2016); In silico analysis supports that this missense variant does not alter protein structure/function; Has not been previously published as pathogenic or benign to our knowledge; In-silico analysis, which includes splice predictors and evolutionary conservation, is inconclusive as to whether the variant alters gene splicing. In the absence of RNA/functional studies, the actual effect of this sequence change is unknown.